The following is an entry in ClinVar:

NM_001080517.3(SETD5):c.661T>G (p.Phe221Val)

Gene: SETD5 (SET domain containing 5; plus strand). Cytogenetic location: 3p25.3.
Variant type: single nucleotide variant.
Coding change: c.661T>G on transcript NM_001080517.3 (MANE Select); coding-DNA position 661, T replaced by G.
Protein change: p.Phe221Val; replaces phenylalanine 221 with valine.
Molecular consequence: missense variant.
Genome position (GRCh38, 1-based): chr3:9,440,549, T>G. VCF-style: chr3-9440549-T-G. GRCh37 (hg19) VCF-style: chr3-9482233-T-G.
Other names: c.367T>G, p.Phe123Val (NM_001292043.2, NM_001349451.2); c.757T>G, p.Phe253Val (NM_001437633.1); c.718T>G, p.Phe240Val (NM_001437635.1); c.661T>G, p.Phe221Val (NM_001437643.1); c.700T>G, p.Phe234Val (NM_001437701.1); short protein forms F240V, F253V, F123V, F221V, F234V.
Identifiers: ClinVar variation 5008601 (VCV005008601.1).
Genomic context (GRCh38, chr3:9,440,549, plus strand): 5'-AATACAACTGAGGGCTGGGAAAATCGGATAAGACTATGGACTGACCAGTATGAAGAAGCT[T>G]TCACTAATCAGTACAGTGCAGATGTACAGAACGCGCTTGAACAACACCTACATTCTAGCA-3'
Protein context (NP_001073986.1, residues 211-231): RLWTDQYEEA[Phe221Val]TNQYSADVQN

ClinVar aggregate classification (germline): Uncertain significance (1 of 4 stars; one submission).

gnomAD v4.1: 7 of 1,613,966 alleles (0.00043%); highest among the groups gnomAD compares: Non-Finnish European, 0.00059%; no homozygotes.

Submission:

GeneDx
Classification: Uncertain significance. Last evaluated: 2026-03-07. Review status: criteria provided, single submitter. Criteria: GeneDx Variant Classification Process June 2021. Collection method: clinical testing. Allele origin: germline.
Comment: Not observed at significant frequency in large population cohorts (gnomAD); In silico analysis suggests that this missense variant does not alter protein structure/function; Has not been previously published as pathogenic or benign to our knowledge